The following is an entry in ClinVar:

ClinVar aggregate classification (germline): Uncertain significance (1 of 4 stars; one submission).

Allele frequency attached by ClinVar (database versions not stated): gnomAD exomes 0.00006; gnomAD 0.00007 and 0.00012; 1000 Genomes Project 0.00020; TOPMed 0.00032; 1000 Genomes Project 30x 0.00047.
gnomAD v4.1: 101 of 1,355,994 alleles (0.0074%); highest among the groups gnomAD compares: East Asian, 0.2%; no homozygotes.

Submission:

Labcorp Genetics (formerly Invitae), Labcorp
Classification: Uncertain significance. Last evaluated: 2024-11-11. Review status: criteria provided, single submitter. Criteria: Invitae Variant Classification Sherloc (09022015). Collection method: clinical testing. Allele origin: germline.
Comment: This sequence change replaces alanine, which is neutral and non-polar, with threonine, which is neutral and polar, at codon 59 of the TBX4 protein (p.Ala59Thr). The frequency data for this variant in the population databases is considered unreliable, as metrics indicate poor data quality at this position in the gnomAD database. This variant has not been reported in the literature in individuals affected with TBX4-related conditions. ClinVar contains an entry for this variant (Variation ID: 1525581). Invitae Evidence Modeling of protein sequence and biophysical properties (such as structural, functional, and spatial information, amino acid conservation, physicochemical variation, residue mobility, and thermodynamic stability) indicates that this missense variant is not expected to disrupt TBX4 protein function with a negative predictive value of 95%. In summary, the available evidence is currently insufficient to determine the role of this variant in disease. Therefore, it has been classified as a Variant of Uncertain Significance.

NM_001321120.2(TBX4):c.175G>A (p.Ala59Thr)

Gene: TBX4 (T-box transcription factor 4; plus strand). Cytogenetic location: 17q23.2.
Variant type: single nucleotide variant.
Coding change: c.175G>A on transcript NM_001321120.2 (MANE Select); coding-DNA position 175, G replaced by A.
Protein change: p.Ala59Thr; replaces alanine 59 with threonine.
Molecular consequence: missense variant.
Genome position (GRCh38, 1-based): chr17:61,456,665, G>A. VCF-style: chr17-61456665-G-A. GRCh37 (hg19) VCF-style: chr17-59534026-G-A.
Other names: c.175G>A, p.Ala59Thr (NM_018488.3); short protein forms A59T.
Identifiers: ClinVar variation 1525581 (VCV001525581.8), dbSNP rs80164240, ClinGen allele CA8689744.